The following is an entry in ClinVar:

NM_000138.5(FBN1):c.3073_3074insA (p.Phe1025fs)

Gene: FBN1 (fibrillin 1; minus strand). Cytogenetic location: 15q21.1.
Variant type: Insertion.
Coding change: c.3073_3074insA on transcript NM_000138.5 (MANE Select); coding-DNA positions 3073 to 3074, A inserted.
Protein change: p.Phe1025fs; shifts the reading frame from phenylalanine 1025.
Molecular consequence: frameshift variant.
Genome position: GRCh38 VCF-style: chr15-48489859-A-AT. GRCh37 (hg19) VCF-style: chr15-48782056-A-AT.
Other names: short protein forms F1025fs.
Identifiers: ClinVar variation 571557 (VCV000571557.6), dbSNP rs1566910251, ClinGen allele CA891843842.

ClinVar aggregate classification (germline): Pathogenic (1 of 4 stars; one submission).

Conditions:
Familial thoracic aortic aneurysm and aortic dissection (TAAD). Also called: Thoracic aortic aneurysms and dissections. Identifiers: Orphanet 91387, MedGen C4707243, MONDO:0019625.
Marfan syndrome (MFS). Also called: FBN1-Related Marfan Syndrome; Marfan syndrome type 1; Marfan's syndrome; Marfan syndrome, classic; MARFAN SYNDROME, TYPE I. Identifiers: Orphanet 284963, Orphanet 558, MedGen C0024796, MONDO:0007947, OMIM 154700.

Submission:

Labcorp Genetics (formerly Invitae), Labcorp
Classification: Pathogenic for Marfan syndrome; Familial thoracic aortic aneurysm and aortic dissection. Last evaluated: 2018-04-13. Review status: criteria provided, single submitter. Criteria: Invitae Variant Classification Sherloc (09022015). Collection method: clinical testing. Allele origin: germline.
Comment: This sequence change creates a premature translational stop signal (p.Phe1025Tyrfs*7) in the FBN1 gene. It is expected to result in an absent or disrupted protein product. For these reasons, this variant has been classified as Pathogenic. Loss-of-function variants in FBN1 are known to be pathogenic (PMID: 17657824, 19293843). This variant has not been reported in the literature in individuals with FBN1-related disease. This variant is not present in population databases (ExAC no frequency).

Literature cited by the submitters: PubMed 17657824; PubMed 19293843.